The following is an entry in ClinVar:

ClinVar aggregate classification (germline): Uncertain significance (1 of 4 stars; one submission).

Conditions:
Inborn genetic diseases. Identifiers: MedGen C0950123, MeSH D030342.

Submission:

Ambry Genetics
Classification: Uncertain significance for Inborn genetic diseases. Last evaluated: 2024-11-26. Review status: criteria provided, single submitter. Criteria: Ambry Variant Classification Scheme 2023. Collection method: clinical testing. Allele origin: germline.
Comment: The p.A512P variant (also known as c.1534G>C), located in coding exon 9 of the FANCM gene, results from a G to C substitution at nucleotide position 1534. The alanine at codon 512 is replaced by proline, an amino acid with highly similar properties. This amino acid position is conserved. In addition, this alteration is predicted to be tolerated by in silico analysis. Based on the available evidence, the clinical significance of this variant remains unclear.

NM_020937.4(FANCM):c.1534G>C (p.Ala512Pro)

Gene: FANCM (FA complementation group M; plus strand). Cytogenetic location: 14q21.2.
Variant type: single nucleotide variant.
Coding change: c.1534G>C on transcript NM_020937.4 (MANE Select); coding-DNA position 1534, G replaced by C.
Protein change: p.Ala512Pro; replaces alanine 512 with proline.
Molecular consequence: missense variant.
Genome position (GRCh38, 1-based): chr14:45,159,233, G>C. VCF-style: chr14-45159233-G-C. GRCh37 (hg19) VCF-style: chr14-45628436-G-C.
Other names: c.1456G>C, p.Ala486Pro (NM_001308133.2); c.1534G>C, p.Ala512Pro (NM_001308134.2); short protein forms A486P, A512P.
Identifiers: ClinVar variation 3512933 (VCV003512933.1).
Genomic context (GRCh38, chr14:45,159,233, plus strand): 5'-ATTGCAGAAATGCTTTCACAGCATCAGCCAATTATTAGAGTAATGACTTTTGTCGGCCAT[G>C]CCTCAGGGAAAAGCACGAAGGGTTTTACCCAGAAGGAGCAACTGGAGGTAATTATTTTTG-3'
Protein context (NP_065988.1, residues 502-522): IIRVMTFVGH[Ala512Pro]SGKSTKGFTQ